The following is an entry in ClinVar:

NM_002691.4(POLD1):c.468C>T (p.Phe156=)

Gene: POLD1 (DNA polymerase delta 1, catalytic subunit; plus strand). Cytogenetic location: 19q13.33.
Variant type: single nucleotide variant.
Coding change: c.468C>T on transcript NM_002691.4 (MANE Select); coding-DNA position 468, C replaced by T.
Protein change: p.Phe156=; no amino-acid change (phenylalanine 156 retained).
Molecular consequence: synonymous variant. On other transcripts: non-coding transcript variant (1).
Genome position (GRCh38, 1-based): chr19:50,402,003, C>T. VCF-style: chr19-50402003-C-T. GRCh37 (hg19) VCF-style: chr19-50905260-C-T.
Other names: c.468C>T, p.Phe156= (NM_001256849.1, NM_001308632.1).
Identifiers: ClinVar variation 469356 (VCV000469356.18), dbSNP rs369905962, ClinGen allele CA9595753.
Genomic context (GRCh38, chr19:50,402,003, plus strand): 5'-GCCCCTCCCTGAGCCACTGGAGCCCCCTGCACCTCTGATCATCCCTCCCACACCAGGTTT[C>T]GGGCCCGAGCACATGGGTGACCTGCAACGGGAGCTGAACTTGGCCATCAGCCGGGACAGT-3'
Protein context (NP_002682.2, residues 146-166): PYFYTPAPPG[Phe156=]GPEHMGDLQR

ClinVar aggregate classification (germline): Likely benign. Review status: criteria provided, multiple submitters, no conflicts (2 of 4 stars). 5 submissions from 5 submitters: Likely benign (4). 1 of the submissions does not count toward it. Last evaluated 2025-12-08.

Conditions:
POLD1-related polyposis and colorectal cancer syndrome (CRCS10). Also called: Colorectal cancer 10; COLORECTAL CANCER, SUSCEPTIBILITY TO, ON CHROMOSOME 19q; Colorectal cancer, susceptibility to, 10. Identifiers: Orphanet 220460, MedGen C2675481, MONDO:0012953, OMIM 612591.
POLD1-related disorder. Also called: POLD1-related condition; POLD1-related disorders.
Hereditary cancer-predisposing syndrome. Also called: Neoplastic Syndromes, Hereditary; Hereditary neoplastic syndrome; Tumor predisposition; Hereditary Cancer Syndrome. Identifiers: Orphanet 140162, MedGen C0027672, MeSH D009386, MONDO:0015356.

Allele frequency attached by ClinVar (database versions not stated): gnomAD 0.00001; gnomAD exomes 0.00002 and 0.00005; ExAC 0.00003; TOPMed 0.00003; ESP Exome Variant Server 0.00015.
gnomAD v4.1: 69 of 1,613,958 alleles (0.0043%); highest among the groups gnomAD compares: Non-Finnish European, 0.0055%; no homozygotes.

Submissions (5):

Labcorp Genetics (formerly Invitae), Labcorp
Classification: Likely benign for POLD1-related polyposis and colorectal cancer syndrome. Last evaluated: 2025-12-08. Review status: criteria provided, single submitter. Criteria: Invitae Variant Classification Sherloc (09022015). Collection method: clinical testing. Allele origin: germline.

Blueprint Genetics
Classification: Likely benign. Last evaluated: 2024-03-20. Review status: criteria provided, single submitter. Criteria: ACMG Guidelines, 2015. Collection method: clinical testing. Allele origin: germline.

GeneDx
Classification: Likely benign. Last evaluated: 2018-02-23. Review status: criteria provided, single submitter. Criteria: GeneDx Variant Classification (06012015). Collection method: clinical testing. Allele origin: germline. Affected: yes.
Comment: This variant is considered likely benign or benign based on one or more of the following criteria: it is a conservative change, it occurs at a poorly conserved position in the protein, it is predicted to be benign by multiple in silico algorithms, and/or has population frequency not consistent with disease.

Ambry Genetics
Classification: Likely benign for Hereditary cancer-predisposing syndrome. Last evaluated: 2015-06-24. Review status: criteria provided, single submitter. Criteria: Ambry Variant Classification Scheme 2023. Collection method: clinical testing. Allele origin: germline.

PreventionGenetics, part of Exact Sciences
Classification: Likely benign for POLD1-related condition. Last evaluated: 2024-05-28. Review status: no assertion criteria provided. Collection method: clinical testing. Allele origin: germline. Not counted in ClinVar's aggregate classification.
Comment: This variant is classified as likely benign based on ACMG/AMP sequence variant interpretation guidelines (Richards et al. 2015 PMID: 25741868, with internal and published modifications).